The following is an entry in ClinVar:

ClinVar aggregate classification (germline): Uncertain significance. Review status: criteria provided, multiple submitters, no conflicts (2 of 4 stars). 2 submissions from 2 submitters: Uncertain significance (2). Last evaluated 2026-02-28.

Conditions:
ANK3-related disorder. Also called: ANK3-related condition.

gnomAD v4.1: 23 of 1,614,084 alleles (0.0014%); highest among the groups gnomAD compares: Non-Finnish European, 0.0019%; no homozygotes.

Submissions (2):

PreventionGenetics, part of Exact Sciences
Classification: Uncertain significance for ANK3-related condition. Last evaluated: 2026-02-28. Review status: criteria provided, single submitter. Criteria: ACMG Guidelines, 2015. Collection method: clinical testing. Allele origin: germline.
Comment: The ANK3 c.10459T>A variant is predicted to result in the amino acid substitution p.Ser3487Thr. To our knowledge, this variant has not been reported in the literature. This variant is reported in 0.0026% of alleles in individuals of European (Non-Finnish) descent in gnomAD. At this time, the clinical significance of this variant is uncertain due to the absence of conclusive functional and genetic evidence.

Labcorp Genetics (formerly Invitae), Labcorp
Classification: Uncertain significance. Last evaluated: 2025-05-13. Review status: criteria provided, single submitter. Criteria: Invitae Variant Classification Sherloc (09022015). Collection method: clinical testing. Allele origin: germline.
Comment: This sequence change replaces serine, which is neutral and polar, with threonine, which is neutral and polar, at codon 3487 of the ANK3 protein (p.Ser3487Thr). This variant is present in population databases (rs138339150, gnomAD 0.003%). This variant has not been reported in the literature in individuals affected with ANK3-related conditions. Invitae Evidence Modeling of protein sequence and biophysical properties (such as structural, functional, and spatial information, amino acid conservation, physicochemical variation, residue mobility, and thermodynamic stability) indicates that this missense variant is not expected to disrupt ANK3 protein function with a negative predictive value of 80%. In summary, the available evidence is currently insufficient to determine the role of this variant in disease. Therefore, it has been classified as a Variant of Uncertain Significance.

NM_020987.5(ANK3):c.10459T>A (p.Ser3487Thr)

Gene: ANK3 (ankyrin 3; minus strand). Cytogenetic location: 10q21.2.
Variant type: single nucleotide variant.
Coding change: c.10459T>A on transcript NM_020987.5 (MANE Select); coding-DNA position 10459, T replaced by A.
Protein change: p.Ser3487Thr; replaces serine 3487 with threonine.
Molecular consequence: missense variant. On other transcripts: intron variant (4).
Genome position (GRCh38, 1-based): chr10:60,070,422, A>T on the plus strand (T>A on the coding strand, the complement: ANK3 is on the minus strand). VCF-style: chr10-60070422-A-T. GRCh37 (hg19) VCF-style: chr10-61830180-A-T.
Other names: c.4388-2413T>A (NM_001204403.2); c.4409-2413T>A (NM_001204404.2); c.4406-2413T>A (NM_001320874.2); c.1808-2413T>A (NM_001149.4); c.10459T>A (NM_020987.4); short protein forms S3487T.
Identifiers: ClinVar variation 4699540 (VCV004699540.2).
Genomic context (GRCh38, chr10:60,070,422, plus strand): 5'-CTTCCAGTGTGAAGAACTGGGCCCCTGACTTCTGATCAGTCTTATCAGGAGTCTTTTCAG[A>T]TGAAGAACTTTTAGAAGGTGGCTTGTCCTCATCTGGTCCCACCTTTCCCTCCTCCTCGAT-3'
Protein context (NP_066267.2, residues 3477-3497): EDKPPSKSSS[Ser3487Thr]EKTPDKTDQK